The following is an entry in ClinVar:

NM_006531.5(IFT88):c.1300-15A>T

Gene: IFT88 (intraflagellar transport 88; plus strand). Cytogenetic location: 13q12.11.
Variant type: single nucleotide variant.
Coding change: c.1300-15A>T on transcript NM_006531.5 (MANE Select); 15 bases into the intron before coding-DNA position 1300, A replaced by T.
Molecular consequence: intron variant.
Genome position (GRCh38, 1-based): chr13:20,631,001, A>T. VCF-style: chr13-20631001-A-T. GRCh37 (hg19) VCF-style: chr13-21205140-A-T.
Other names: c.1327-15A>T (NM_001318493.2, NM_175605.5, NM_001353566.2 and 2 more transcripts); c.1300-15A>T (NM_001353568.2, NM_001353572.2); c.1225-15A>T (NM_001353570.2, NM_001353576.2, NM_001353577.2 and 1 more transcripts); c.1198-15A>T (NM_001353571.2, NM_001353578.2); c.667-15A>T (NM_001353579.2); c.1243-15A>T (NM_001353575.2, NM_001318491.2); c.1156-15A>T (NM_001353573.2); c.1141-15A>T (NM_001353574.2).
Identifiers: ClinVar variation 402966 (VCV000402966.14), dbSNP rs1329519, ClinGen allele CA6905369.

ClinVar aggregate classification (germline): Benign. Review status: criteria provided, multiple submitters, no conflicts (2 of 4 stars). 3 submissions from 3 submitters: Benign (3). Last evaluated 2026-02-04.

Allele frequency attached by ClinVar (database versions not stated): ESP Exome Variant Server 0.65823; gnomAD 0.68302 and 0.69501; TOPMed 0.68822; gnomAD exomes 0.73980 and 0.77006; 1000 Genomes Project 30x 0.75687; ExAC 0.76020; 1000 Genomes Project 0.76478.
gnomAD v4.1: 1,075,251 of 1,462,846 alleles (74%); highest among the groups gnomAD compares: East Asian, 100%; 400,386 homozygotes.

Submissions (3):

Labcorp Genetics (formerly Invitae), Labcorp
Classification: Benign. Last evaluated: 2026-02-04. Review status: criteria provided, single submitter. Criteria: Invitae Variant Classification Sherloc (09022015). Collection method: clinical testing. Allele origin: germline.

Laboratory for Molecular Medicine, Mass General Brigham Personalized Medicine
Classification: Benign. Last evaluated: 2016-03-29. Review status: criteria provided, single submitter. Criteria: LMM Criteria. Collection method: clinical testing. Allele origin: germline.
Comment: Variant identified in a genome or exome case(s) and assessed due to predicted null impact of the variant or pathogenic assertions in the literature or databases. Disclaimer: This variant has not undergone full assessment. The following are preliminary notes: Frequency

Breakthrough Genomics
Classification: Benign. Review status: criteria provided, single submitter. Criteria: ACMG Guidelines, 2015. Collection method: not provided. Allele origin: germline. Inheritance: Unknown mechanism. Affected: yes.